The following is an entry in ClinVar:

NM_000541.5(SAG):c.180A>G (p.Lys60=)

Gene: SAG (S-antigen visual arrestin; plus strand). Cytogenetic location: 2q37.1.
Variant type: single nucleotide variant.
Coding change: c.180A>G on transcript NM_000541.5 (MANE Select); coding-DNA position 180, A replaced by G.
Protein change: p.Lys60=; no amino-acid change (lysine 60 retained).
Molecular consequence: synonymous variant.
Genome position (GRCh38, 1-based): chr2:233,318,794, A>G. VCF-style: chr2-233318794-A-G. GRCh37 (hg19) VCF-style: chr2-234227440-A-G.
Other names: c.180A>G (NM_000541.4).
Identifiers: ClinVar variation 1038989 (VCV001038989.10), dbSNP rs368776561, ClinGen allele CA2174242.
Genomic context (GRCh38, chr2:233,318,794, plus strand): 5'-TCCCTCTTTTGCCTTAGATGGTGTCGTGTTGGTTGATCCTGATCTTGTGAAGGGAAAGAA[A>G]GGTGAGATGAAGCCCCTTGTCTCAGGCTGGTTTCTGGGCGGAGTGGACTGCTCTCTGGGC-3'
Protein context (NP_000532.2, residues 50-70): LVDPDLVKGK[Lys60=]VYVTLTCAFR

ClinVar aggregate classification (germline): Uncertain significance. Review status: criteria provided, multiple submitters, no conflicts (2 of 4 stars). 3 submissions from 3 submitters: Uncertain significance (3). Last evaluated 2026-05-11.

Conditions:
SAG-related disorder. Also called: SAG-related disorders; SAG-related condition.

Allele frequency attached by ClinVar (database versions not stated): gnomAD exomes 0.00001 and 0.00004; ExAC 0.00007; ESP Exome Variant Server 0.00008; gnomAD 0.00011 and 0.00015; TOPMed 0.00014.
gnomAD v4.1: 41 of 1,613,520 alleles (0.0025%); highest among the groups gnomAD compares: African/African-American, 0.044%; no homozygotes.

Submissions (3):

PreventionGenetics, part of Exact Sciences
Classification: Uncertain significance for SAG-related condition. Last evaluated: 2026-05-11. Review status: criteria provided, single submitter. Criteria: ACMG Guidelines, 2015. Collection method: clinical testing. Allele origin: germline.
Comment: The SAG c.180A>G variant is not predicted to result in an amino acid change (p.=). To our knowledge, this variant has not been reported in the literature. This variant is predicted to alter splicing based on available splicing prediction programs (SpliceAI, Jaganathan et al. 2019. PubMed ID: 30661751). However, the use of computer prediction programs is not equivalent to functional evidence. This variant is reported in 0.045% of alleles in individuals of African descent in gnomAD. At this time, the clinical significance of this variant is uncertain due to the absence of conclusive functional and genetic evidence.

Labcorp Genetics (formerly Invitae), Labcorp
Classification: Uncertain significance. Last evaluated: 2025-04-10. Review status: criteria provided, single submitter. Criteria: Invitae Variant Classification Sherloc (09022015). Collection method: clinical testing. Allele origin: germline.
Comment: This sequence change affects codon 60 of the SAG mRNA. It is a 'silent' change, meaning that it does not change the encoded amino acid sequence of the SAG protein. It affects a nucleotide within the consensus splice site. This variant is present in population databases (rs368776561, gnomAD 0.05%). This variant has not been reported in the literature in individuals affected with SAG-related conditions. ClinVar contains an entry for this variant (Variation ID: 1038989). Algorithms developed to predict the effect of sequence changes on RNA splicing suggest that this variant may disrupt the consensus splice site. In summary, the available evidence is currently insufficient to determine the role of this variant in disease. Therefore, it has been classified as a Variant of Uncertain Significance.

Blueprint Genetics
Classification: Uncertain significance. Last evaluated: 2021-06-30. Review status: criteria provided, single submitter. Criteria: ACMG Guidelines, 2015. Collection method: clinical testing. Allele origin: germline.